The following is an entry in ClinVar:

NM_001851.6(COL9A1):c.2537C>G (p.Pro846Arg)

Gene: COL9A1 (collagen type IX alpha 1 chain; minus strand). Cytogenetic location: 6q13.
Variant type: single nucleotide variant.
Coding change: c.2537C>G on transcript NM_001851.6 (MANE Select); coding-DNA position 2537, C replaced by G.
Protein change: p.Pro846Arg; replaces proline 846 with arginine.
Molecular consequence: missense variant. On other transcripts: non-coding transcript variant (1).
Genome position (GRCh38, 1-based): chr6:70,225,976, G>C on the plus strand (C>G on the coding strand, the complement: COL9A1 is on the minus strand). VCF-style: chr6-70225976-G-C. GRCh37 (hg19) VCF-style: chr6-70935679-G-C.
Other names: c.1838C>G, p.Pro613Arg (NM_001377289.1); c.1661C>G, p.Pro554Arg (NM_001377290.1); c.1808C>G, p.Pro603Arg (NM_078485.4); short protein forms P603R, P613R, P846R, P554R.
Identifiers: ClinVar variation 1396131 (VCV001396131.7), dbSNP rs201978369, ClinGen allele CA3881739.

ClinVar aggregate classification (germline): Uncertain significance (1 of 4 stars; one submission).

Allele frequency attached by ClinVar (database versions not stated): gnomAD exomes below 0.00001 and 0.00001; gnomAD 0.00001 and 0.00002; ExAC 0.00002; TOPMed 0.00002; 1000 Genomes Project 0.00020; 1000 Genomes Project 30x 0.00031.
gnomAD v4.1: 5 of 1,613,886 alleles (0.00031%); highest among the groups gnomAD compares: African/African-American, 0.0053%; no homozygotes.

Submission:

Labcorp Genetics (formerly Invitae), Labcorp
Classification: Uncertain significance. Last evaluated: 2022-08-17. Review status: criteria provided, single submitter. Criteria: Invitae Variant Classification Sherloc (09022015). Collection method: clinical testing. Allele origin: germline.
Comment: This variant has not been reported in the literature in individuals affected with COL9A1-related conditions. In summary, the available evidence is currently insufficient to determine the role of this variant in disease. Therefore, it has been classified as a Variant of Uncertain Significance. Advanced modeling of protein sequence and biophysical properties (such as structural, functional, and spatial information, amino acid conservation, physicochemical variation, residue mobility, and thermodynamic stability) performed at Invitae indicates that this missense variant is not expected to disrupt COL9A1 protein function. ClinVar contains an entry for this variant (Variation ID: 1396131). This variant is present in population databases (rs201978369, gnomAD 0.01%). This sequence change replaces proline, which is neutral and non-polar, with arginine, which is basic and polar, at codon 846 of the COL9A1 protein (p.Pro846Arg).